The following is an entry in ClinVar:

NM_007315.4(STAT1):c.178C>T (p.Leu60Phe)

Gene: STAT1 (signal transducer and activator of transcription 1; minus strand). Cytogenetic location: 2q32.2.
Variant type: single nucleotide variant.
Coding change: c.178C>T on transcript NM_007315.4 (MANE Select); coding-DNA position 178, C replaced by T.
Protein change: p.Leu60Phe; replaces leucine 60 with phenylalanine.
Molecular consequence: missense variant.
Genome position (GRCh38, 1-based): chr2:191,009,058, G>A on the plus strand (C>T on the coding strand, the complement: STAT1 is on the minus strand). VCF-style: chr2-191009058-G-A. GRCh37 (hg19) VCF-style: chr2-191873784-G-A.
Other names: c.178C>T, p.Leu60Phe (NM_001384880.1, NM_001384882.1, NM_001384883.1 and 7 more transcripts); c.184C>T, p.Leu62Phe (NM_001384881.1, NM_001384884.1); c.214C>T, p.Leu72Phe (NM_001384891.1); short protein forms L72F, L60F, L62F.
Identifiers: ClinVar variation 1448205 (VCV001448205.6), dbSNP rs2125100882, ClinGen allele CA349928046.

ClinVar aggregate classification (germline): Uncertain significance (1 of 4 stars; one submission).

Conditions:
Immunodeficiency 31B. Also called: STAT1 DEFICIENCY, AUTOSOMAL RECESSIVE; IMMUNODEFICIENCY 31B, MYCOBACTERIAL AND VIRAL INFECTIONS, AUTOSOMAL RECESSIVE. Identifiers: Orphanet 391311, MedGen C3151088, MONDO:0013427, OMIM 613796.
Mendelian susceptibility to mycobacterial diseases due to partial STAT1 deficiency. Also called: IMMUNODEFICIENCY 31A, MYCOBACTERIOSIS, AUTOSOMAL DOMINANT; STAT1 DEFICIENCY, AUTOSOMAL DOMINANT; Immunodeficiency 31a. Identifiers: Orphanet 319595, MedGen C4013950, MONDO:0013956, OMIM 614892.
Autoimmune enteropathy and endocrinopathy - susceptibility to chronic infections syndrome. Also called: Immunodeficiency 31C; Immunodeficiency 31C, autosomal dominant. Identifiers: Orphanet 391487, MedGen C3279990, MONDO:0013599, OMIM 614162.

Submission:

Labcorp Genetics (formerly Invitae), Labcorp
Classification: Uncertain significance for Mendelian susceptibility to mycobacterial diseases due to partial STAT1 deficiency; Immunodeficiency 31B; Autoimmune enteropathy and endocrinopathy - susceptibility to chronic infections syndrome. Last evaluated: 2022-07-05. Review status: criteria provided, single submitter. Criteria: Invitae Variant Classification Sherloc (09022015). Collection method: clinical testing. Allele origin: germline.
Comment: In summary, the available evidence is currently insufficient to determine the role of this variant in disease. Therefore, it has been classified as a Variant of Uncertain Significance. Algorithms developed to predict the effect of missense changes on protein structure and function are either unavailable or do not agree on the potential impact of this missense change (SIFT: "Deleterious"; PolyPhen-2: "Probably Damaging"; Align-GVGD: "Class C0"). ClinVar contains an entry for this variant (Variation ID: 1448205). This variant has not been reported in the literature in individuals affected with STAT1-related conditions. This variant is not present in population databases (gnomAD no frequency). This sequence change replaces leucine, which is neutral and non-polar, with phenylalanine, which is neutral and non-polar, at codon 60 of the STAT1 protein (p.Leu60Phe).